The following is an entry in ClinVar:

ClinVar aggregate classification (germline): Uncertain significance. Review status: criteria provided, multiple submitters, no conflicts (2 of 4 stars). 2 submissions from 2 submitters: Uncertain significance (2). Last evaluated 2024-08-20.

Conditions:
MEGF8-related Carpenter syndrome. Also called: Carpenter syndrome 2. Identifiers: Orphanet 65759, MedGen C3554247, MONDO:0013998, OMIM 614976.
Inborn genetic diseases. Identifiers: MedGen C0950123, MeSH D030342.

Allele frequency attached by ClinVar (database versions not stated): ExAC 0.00001; gnomAD exomes 0.00001; gnomAD 0.00007; TOPMed 0.00009.
gnomAD v4.1: 27 of 1,613,890 alleles (0.0017%); highest among the groups gnomAD compares: African/African-American, 0.033%; no homozygotes.

Submissions (2):

Ambry Genetics
Classification: Uncertain significance for Inborn genetic diseases. Last evaluated: 2024-08-20. Review status: criteria provided, single submitter. Criteria: Ambry Variant Classification Scheme 2023. Collection method: clinical testing. Allele origin: germline.

Labcorp Genetics (formerly Invitae), Labcorp
Classification: Uncertain significance for MEGF8-related Carpenter syndrome. Last evaluated: 2023-09-27. Review status: criteria provided, single submitter. Criteria: Invitae Variant Classification Sherloc (09022015). Collection method: clinical testing. Allele origin: germline.
Comment: In summary, the available evidence is currently insufficient to determine the role of this variant in disease. Therefore, it has been classified as a Variant of Uncertain Significance. An algorithm developed to predict the effect of missense changes on protein structure and function (PolyPhen-2) suggests that this variant is likely to be disruptive. This variant has not been reported in the literature in individuals affected with MEGF8-related conditions. This variant is present in population databases (rs762625035, gnomAD 0.02%). This sequence change replaces asparagine, which is neutral and polar, with serine, which is neutral and polar, at codon 251 of the MEGF8 protein (p.Asn251Ser).

NM_001271938.2(MEGF8):c.752A>G (p.Asn251Ser)

Gene: MEGF8 (multiple EGF like domains 8; plus strand). Cytogenetic location: 19q13.2.
Variant type: single nucleotide variant.
Coding change: c.752A>G on transcript NM_001271938.2 (MANE Select); coding-DNA position 752, A replaced by G.
Protein change: p.Asn251Ser; replaces asparagine 251 with serine.
Molecular consequence: missense variant.
Genome position (GRCh38, 1-based): chr19:42,335,309, A>G. VCF-style: chr19-42335309-A-G. GRCh37 (hg19) VCF-style: chr19-42839461-A-G.
Other names: c.752A>G, p.Asn251Ser (NM_001410.3); c.752A>G (NM_001410.2); short protein forms N251S.
Identifiers: ClinVar variation 2708092 (VCV002708092.2), dbSNP rs762625035, ClinGen allele CA9474271.